The following is an entry in ClinVar:

NM_005263.5(GFI1):c.481C>T (p.Pro161Ser)

Gene: GFI1 (growth factor independent 1 transcriptional repressor; minus strand). Cytogenetic location: 1p22.1.
Variant type: single nucleotide variant.
Coding change: c.481C>T on transcript NM_005263.5 (MANE Select); coding-DNA position 481, C replaced by T.
Protein change: p.Pro161Ser; replaces proline 161 with serine.
Molecular consequence: missense variant.
Genome position (GRCh38, 1-based): chr1:92,480,906, G>A on the plus strand (C>T on the coding strand, the complement: GFI1 is on the minus strand). VCF-style: chr1-92480906-G-A. GRCh37 (hg19) VCF-style: chr1-92946463-G-A.
Other names: c.481C>T, p.Pro161Ser (NM_001127215.3, NM_001127216.3); short protein forms P161S.
Identifiers: ClinVar variation 2064409 (VCV002064409.5), dbSNP rs765422321, ClinGen allele CA951375.
Genomic context (GRCh38, chr1:92,480,906, plus strand): 5'-CCCCGGCCCCCGCGCCGCCGGCAGCCCGCTTCGGGCCGTACAGCGCGGCCGGGTGGCCAG[G>A]CTCCGGGGCGGGTTCGCAGAAGAGGCCCAGGCCAGCGCCACGCTCCAGGGCCCCACACGG-3'
Protein context (NP_005254.2, residues 151-171): LGLFCEPAPE[Pro161Ser]GHPAALYGPK

ClinVar aggregate classification (germline): Uncertain significance. Review status: criteria provided, multiple submitters, no conflicts (2 of 4 stars). 2 submissions from 2 submitters: Uncertain significance (2). Last evaluated 2026-02-01.

Conditions:
Neutropenia, severe congenital, 2, autosomal dominant. Identifiers: Orphanet 486, MedGen C2751288, MONDO:0013139, OMIM 613107.

Allele frequency attached by ClinVar (database versions not stated): TOPMed 0.00002; gnomAD 0.00005; 1000 Genomes Project 30x 0.00031; ExAC 0.00031.
gnomAD v4.1: 109 of 1,547,040 alleles (0.007%); highest among the groups gnomAD compares: South Asian, 0.11%; 1 homozygote.

Submissions (2):

Labcorp Genetics (formerly Invitae), Labcorp
Classification: Uncertain significance for Neutropenia, severe congenital, 2, autosomal dominant. Last evaluated: 2026-02-01. Review status: criteria provided, single submitter. Criteria: Invitae Variant Classification Sherloc (09022015). Collection method: clinical testing. Allele origin: germline.
Comment: This sequence change replaces proline, which is neutral and non-polar, with serine, which is neutral and polar, at codon 161 of the GFI1 protein (p.Pro161Ser). This variant is present in population databases (rs765422321, gnomAD 0.05%), and has an allele count higher than expected for a pathogenic variant. This variant has not been reported in the literature in individuals affected with GFI1-related conditions. ClinVar contains an entry for this variant (Variation ID: 2064409). Invitae Evidence Modeling of protein sequence and biophysical properties (such as structural, functional, and spatial information, amino acid conservation, physicochemical variation, residue mobility, and thermodynamic stability) indicates that this missense variant is not expected to disrupt GFI1 protein function with a negative predictive value of 80%. In summary, the available evidence is currently insufficient to determine the role of this variant in disease. Therefore, it has been classified as a Variant of Uncertain Significance.

Ambry Genetics
Classification: Uncertain significance. Last evaluated: 2024-12-09. Review status: criteria provided, single submitter. Criteria: Ambry Variant Classification Scheme 2023. Collection method: clinical testing. Allele origin: germline.
Comment: The p.P161S variant (also known as c.481C>T), located in coding exon 3 of the GFI1 gene, results from a C to T substitution at nucleotide position 481. The proline at codon 161 is replaced by serine, an amino acid with similar properties. This amino acid position is conserved. In addition, this alteration is predicted to be tolerated by in silico analysis. Based on the available evidence, the clinical significance of this variant remains unclear.